The following is an entry in ClinVar:

NM_013318.4(PRRC2B):c.4427C>G (p.Pro1476Arg)

Gene: PRRC2B (proline rich coiled-coil 2B; plus strand). Cytogenetic location: 9q34.13.
Variant type: single nucleotide variant.
Coding change: c.4427C>G on transcript NM_013318.4 (MANE Select); coding-DNA position 4427, C replaced by G.
Protein change: p.Pro1476Arg; replaces proline 1476 with arginine.
Molecular consequence: missense variant.
Genome position (GRCh38, 1-based): chr9:131,477,764, C>G. VCF-style: chr9-131477764-C-G. GRCh37 (hg19) VCF-style: chr9-134353151-C-G.
Other names: c.4427C>G (NM_013318.3); c.2345C>G, p.Pro782Arg (NM_001384823.1); c.4427C>G, p.Pro1476Arg (NM_001384818.1, NM_001384821.1, NM_001384822.1); short protein forms P1476R, P782R.
Identifiers: ClinVar variation 2659632 (VCV002659632.24), dbSNP rs201067043, ClinGen allele CA5292290.

ClinVar aggregate classification (germline): Conflicting classifications of pathogenicity. Review status: criteria provided, conflicting classifications (1 of 4 stars). 2 submissions from 2 submitters: Uncertain significance (1); Benign (1). Last evaluated 2025-09-22.

Allele frequency attached by ClinVar (database versions not stated): ESP Exome Variant Server 0.00095; TOPMed 0.00097; ExAC 0.00102; 1000 Genomes Project 30x 0.00016; 1000 Genomes Project 0.00020; gnomAD 0.00092.
gnomAD v4.1: 1,353 of 1,608,382 alleles (0.084%); highest among the groups gnomAD compares: Middle Eastern, 0.82%; 2 homozygotes.

Submissions (2):

Ambry Genetics
Classification: Uncertain significance. Last evaluated: 2025-09-22. Review status: criteria provided, single submitter. Criteria: Ambry Variant Classification Scheme 2023. Collection method: clinical testing. Allele origin: germline.

CeGaT Center for Human Genetics Tuebingen
Classification: Benign. Last evaluated: 2022-07-01. Review status: criteria provided, single submitter. Criteria: CeGaT Center For Human Genetics Tuebingen Variant Classification Criteria Version 2. Collection method: clinical testing. Allele origin: germline. Affected: yes. Observed: 1 variant allele.
Comment: PRRC2B: BS1, BS2